The following is an entry in ClinVar:

ClinVar aggregate classification (germline): Pathogenic. Review status: criteria provided, multiple submitters, no conflicts (2 of 4 stars). 3 submissions from 3 submitters: Pathogenic (3). Last evaluated 2025-12-28.

Conditions:
Deficiency of steroid 17-alpha-monooxygenase. Also called: ADRENAL HYPERPLASIA V; Congenital adrenal hyperplasia due to 17-alpha-hydroxylase deficiency; Congenital adrenal hyperplasia type 5; 17-ALPHA-HYDROXYLASE DEFICIENCY; 17-alpha-hydroxylase/17,20-lyase deficiency. Identifiers: Orphanet 90793, MedGen C0268285, MONDO:0008730, OMIM 202110.

Allele frequency attached by ClinVar (database versions not stated): TOPMed below 0.00001; gnomAD 0.00001; gnomAD exomes 0.00002; ExAC 0.00003.
gnomAD v4.1: 31 of 1,573,924 alleles (0.002%); highest among the groups gnomAD compares: Non-Finnish European, 0.0024%; no homozygotes.

Submissions (3):

Labcorp Genetics (formerly Invitae), Labcorp
Classification: Pathogenic. Last evaluated: 2025-12-28. Review status: criteria provided, single submitter. Criteria: Invitae Variant Classification Sherloc (09022015). Collection method: clinical testing. Allele origin: germline.
Comment: This sequence change replaces glycine, which is neutral and non-polar, with arginine, which is basic and polar, at codon 436 of the CYP17A1 protein (p.Gly436Arg). This variant is present in population databases (rs757083287, gnomAD 0.005%). This missense change has been observed in individual(s) with congenital adrenal hyperplasia (PMID: 29595516, 31885295). In at least one individual the data is consistent with being in trans (on the opposite chromosome) from a pathogenic variant. ClinVar contains an entry for this variant (Variation ID: 1457632). Invitae Evidence Modeling of protein sequence and biophysical properties (such as structural, functional, and spatial information, amino acid conservation, physicochemical variation, residue mobility, and thermodynamic stability) indicates that this missense variant is expected to disrupt CYP17A1 protein function with a positive predictive value of 95%. Algorithms developed to predict the effect of sequence changes on RNA splicing suggest that this variant may create or strengthen a splice site. For these reasons, this variant has been classified as Pathogenic.

Baylor Genetics
Classification: Pathogenic for Deficiency of steroid 17-alpha-monooxygenase. Last evaluated: 2024-03-14. Review status: criteria provided, single submitter. Criteria: ACMG Guidelines, 2015. Collection method: clinical testing. Allele origin: unknown.

GeneDx
Classification: Pathogenic. Last evaluated: 2023-03-24. Review status: criteria provided, single submitter. Criteria: GeneDx Variant Classification Process June 2021. Collection method: clinical testing. Allele origin: germline. Affected: yes.
Comment: Published functional studies demonstrate a damaging effect on enzymatic activities (Sun et al., 2021); In silico analysis supports that this missense variant has a deleterious effect on protein structure/function; This variant is associated with the following publications: (PMID: 26701948, 34524979, 29595516, 31885295, 34724156)

Literature cited by the submitters: PubMed 29595516 (cited by Labcorp Genetics (formerly Invitae), Labcorp); PubMed 31885295 (cited by Labcorp Genetics (formerly Invitae), Labcorp).

NM_000102.4(CYP17A1):c.1306G>A (p.Gly436Arg)

Gene: CYP17A1 (cytochrome P450 family 17 subfamily A member 1; minus strand). Cytogenetic location: 10q24.32.
Variant type: single nucleotide variant.
Coding change: c.1306G>A on transcript NM_000102.4 (MANE Select); coding-DNA position 1306, G replaced by A.
Protein change: p.Gly436Arg; replaces glycine 436 with arginine.
Molecular consequence: missense variant.
Genome position (GRCh38, 1-based): chr10:102,830,923, C>T on the plus strand (G>A on the coding strand, the complement: CYP17A1 is on the minus strand). VCF-style: chr10-102830923-C-T. GRCh37 (hg19) VCF-style: chr10-104590680-C-T.
Other names: c.1306G>A (NM_000102.3); short protein forms G436R.
Identifiers: ClinVar variation 1457632 (VCV001457632.7), dbSNP rs757083287, ClinGen allele CA5669342.